The following is an entry in ClinVar:

ClinVar aggregate classification (germline): Uncertain significance (1 of 4 stars; one submission).

Conditions:
ZNRF3-associated neurodevelopmental disorder.

Submission:

Institute of Human Genetics, University of Leipzig Medical Center
Classification: Uncertain significance for ZNRF3-associated neurodevelopmental disorder. Last evaluated: 2024-12-19. Review status: criteria provided, single submitter. Criteria: ACMG Guidelines, 2015. Collection method: clinical testing. Allele origin: unknown. Inheritance: Autosomal dominant inheritance. Affected: yes.
Comment: Criteria applied: PM1,PM2,PP2

Literature cited by the submitters: PubMed 3916812.

NM_001206998.2(ZNRF3):c.959T>C (p.Val320Ala)

Gene: ZNRF3 (zinc and ring finger 3; plus strand). Cytogenetic location: 22q12.1.
Variant type: single nucleotide variant.
Coding change: c.959T>C on transcript NM_001206998.2 (MANE Select); coding-DNA position 959, T replaced by C.
Protein change: p.Val320Ala; replaces valine 320 with alanine.
Molecular consequence: missense variant.
Genome position (GRCh38, 1-based): chr22:29,048,435, T>C. VCF-style: chr22-29048435-T-C. GRCh37 (hg19) VCF-style: chr22-29444423-T-C.
Other names: c.659T>C, p.Val220Ala (NM_032173.4); short protein forms V220A, V320A.
Identifiers: ClinVar variation 3572896 (VCV003572896.2).